The following is an entry in ClinVar:

ClinVar aggregate classification (germline): Pathogenic (1 of 4 stars; one submission).

Submission:

Labcorp Genetics (formerly Invitae), Labcorp
Classification: Pathogenic. Last evaluated: 2022-05-12. Review status: criteria provided, single submitter. Criteria: Invitae Variant Classification Sherloc (09022015). Collection method: clinical testing. Allele origin: germline.
Comment: This sequence change creates a premature translational stop signal (p.Gly598Glufs*35) in the COL11A1 gene. It is expected to result in an absent or disrupted protein product. Loss-of-function variants in COL11A1 are known to be pathogenic (PMID: 20513134, 21035103, 23922384, 25240749, 32427345, 32756486). This variant is not present in population databases (gnomAD no frequency). This variant has not been reported in the literature in individuals affected with COL11A1-related conditions. This variant is also known as c.1791+1del. Algorithms developed to predict the effect of sequence changes on RNA splicing suggest that this variant may disrupt the consensus splice site. For these reasons, this variant has been classified as Pathogenic.

Literature cited by the submitters: PubMed 20513134; PubMed 21035103; PubMed 23922384; PubMed 25240749; PubMed 32427345; PubMed 32756486.

NM_001854.4(COL11A1):c.1791+1del

Gene: COL11A1 (collagen type XI alpha 1 chain; minus strand). Cytogenetic location: 1p21.1.
Variant type: Deletion.
Coding change: c.1791+1del on transcript NM_001854.4 (MANE Select); the canonical splice donor site of the intron after coding-DNA position 1791, one base deleted (G; older notation c.1791+1delG).
Molecular consequence: splice donor variant.
Genome position (GRCh38, 1-based): chr1:103,006,067, C deleted on the plus strand (G on the coding strand, the reverse complement: COL11A1 is on the minus strand); the first of 2 consecutive C bases (chr1:103,006,067-103,006,068); deleting either gives the same sequence. VCF-style (leftmost placement, unchanged base first): chr1-103006066-AC-A. GRCh37 (hg19) VCF-style: chr1-103471622-AC-A.
Other names: c.1674+1del (NM_001190709.2); c.1827+1del (NM_080629.3); c.1443+1del (NM_080630.4).
Identifiers: ClinVar variation 1993217 (VCV001993217.4), dbSNP rs2525404770, ClinGen allele CA2580060762.